The following is an entry in ClinVar:

ClinVar aggregate classification (germline): Conflicting classifications of pathogenicity. Review status: criteria provided, conflicting classifications (1 of 4 stars). 5 submissions from 5 submitters: Uncertain significance (4); Likely benign (1). Last evaluated 2024-04-01.

Conditions:
Mowat-Wilson syndrome (MOWS). Also called: Classic Mowat-Wilson Syndrome. Identifiers: Orphanet 2152, MedGen C1856113, MONDO:0009341, OMIM 235730.

Allele frequency attached by ClinVar (database versions not stated): TOPMed 0.00001.
gnomAD v4.1: 2 of 1,613,970 alleles (0.00012%); highest among the groups gnomAD compares: Non-Finnish European, 0.000085%; no homozygotes.

Submissions (5):

Daryl Scott Lab, Baylor College of Medicine
Classification: Uncertain significance for Mowat-Wilson syndrome. Last evaluated: 2024-04-01. Review status: criteria provided, single submitter. Criteria: ACMG Guidelines, 2015. Collection method: clinical testing. Allele origin: unknown. Observed: 1 heterozygote.
Comment: PM2, PP3

GeneDx
Classification: Uncertain significance. Last evaluated: 2023-03-28. Review status: criteria provided, single submitter. Criteria: GeneDx Variant Classification Process June 2021. Collection method: clinical testing. Allele origin: germline. Affected: yes.
Comment: Not observed at significant frequency in large population cohorts (gnomAD); In silico analysis supports that this missense variant does not alter protein structure/function; Has not been previously published as pathogenic or benign to our knowledge

Labcorp Genetics (formerly Invitae), Labcorp
Classification: Likely benign for Mowat-Wilson syndrome. Last evaluated: 2022-08-28. Review status: criteria provided, single submitter. Criteria: Invitae Variant Classification Sherloc (09022015). Collection method: clinical testing. Allele origin: germline.

Genome-Nilou Lab
Classification: Uncertain significance for Mowat-Wilson syndrome. Last evaluated: 2021-11-07. Review status: criteria provided, single submitter. Criteria: ACMG Guidelines, 2015. Collection method: clinical testing. Allele origin: germline. Affected: no.

Baylor Genetics
Classification: Uncertain significance for Mowat-Wilson syndrome. Last evaluated: 2019-03-29. Review status: criteria provided, single submitter. Criteria: ACMG Guidelines, 2015. Collection method: clinical testing. Allele origin: unknown. Affected: yes.
Comment: This variant was determined to be of uncertain significance according to ACMG Guidelines, 2015 [PMID:25741868].

NM_014795.4(ZEB2):c.2707G>T (p.Ala903Ser)

Gene: ZEB2 (zinc finger E-box binding homeobox 2; minus strand). Cytogenetic location: 2q22.3.
Variant type: single nucleotide variant.
Coding change: c.2707G>T on transcript NM_014795.4 (MANE Select); coding-DNA position 2707, G replaced by T.
Protein change: p.Ala903Ser; replaces alanine 903 with serine.
Molecular consequence: missense variant.
Genome position (GRCh38, 1-based): chr2:144,398,480, C>A on the plus strand (G>T on the coding strand, the complement: ZEB2 is on the minus strand). VCF-style: chr2-144398480-C-A. GRCh37 (hg19) VCF-style: chr2-145156047-C-A.
Other names: p.A903S:GCA>TCA; c.2635G>T, p.Ala879Ser (NM_001171653.2); short protein forms A903S, A879S.
Identifiers: ClinVar variation 181742 (VCV000181742.15), dbSNP rs730881200, ClinGen allele CA297613.